The following is an entry in ClinVar:

NM_032806.6(POMGNT2):c.793C>T (p.Arg265Trp)

Gene: POMGNT2 (protein O-linked mannose N-acetylglucosaminyltransferase 2 (beta 1,4-); minus strand). Cytogenetic location: 3p22.1.
Variant type: single nucleotide variant.
Coding change: c.793C>T on transcript NM_032806.6 (MANE Select); coding-DNA position 793, C replaced by T.
Protein change: p.Arg265Trp; replaces arginine 265 with tryptophan.
Molecular consequence: missense variant.
Genome position (GRCh38, 1-based): chr3:43,080,639, G>A on the plus strand (C>T on the coding strand, the complement: POMGNT2 is on the minus strand). VCF-style: chr3-43080639-G-A. GRCh37 (hg19) VCF-style: chr3-43122131-G-A.
Other names: short protein forms R265W.
Identifiers: ClinVar variation 473284 (VCV000473284.2), dbSNP rs753736893, ClinGen allele CA2339994.

ClinVar aggregate classification (germline): Uncertain significance (1 of 4 stars; one submission).

Conditions:
Muscular dystrophy-dystroglycanopathy (congenital with brain and eye anomalies), type a, 8 (MDDGA8). Also called: WALKER-WARBURG SYNDROME OR MUSCLE-EYE-BRAIN DISEASE, GTDC2-RELATED. Identifiers: Orphanet 899, MedGen C3553813, MONDO:0013904, OMIM 614830.

Allele frequency attached by ClinVar (database versions not stated): gnomAD exomes 0.00001 and 0.00002; ExAC 0.00003; gnomAD 0.00003 and 0.00004; TOPMed 0.00003.
gnomAD v4.1: 39 of 1,614,106 alleles (0.0024%); highest among the groups gnomAD compares: Non-Finnish European, 0.0031%; no homozygotes.

Submission:

Labcorp Genetics (formerly Invitae), Labcorp
Classification: Uncertain significance for Muscular dystrophy-dystroglycanopathy (congenital with brain and eye anomalies), type a, 8. Last evaluated: 2021-08-13. Review status: criteria provided, single submitter. Criteria: Invitae Variant Classification Sherloc (09022015). Collection method: clinical testing. Allele origin: germline.
Comment: This sequence change replaces arginine with tryptophan at codon 265 of the POMGNT2 protein (p.Arg265Trp). The arginine residue is highly conserved and there is a moderate physicochemical difference between arginine and tryptophan. This variant is present in population databases (rs753736893, ExAC 0.009%). This variant has not been reported in the literature in individuals affected with POMGNT2-related conditions. Algorithms developed to predict the effect of missense changes on protein structure and function (SIFT, PolyPhen-2, Align-GVGD) all suggest that this variant is likely to be disruptive. In summary, the available evidence is currently insufficient to determine the role of this variant in disease. Therefore, it has been classified as a Variant of Uncertain Significance.